The following is an entry in ClinVar:

NM_000535.7(PMS2):c.644T>A (p.Val215Glu)

Gene: PMS2 (PMS1 homolog 2, mismatch repair system component; minus strand). Cytogenetic location: 7p22.1.
Variant type: single nucleotide variant.
Coding change: c.644T>A on transcript NM_000535.7 (MANE Select); coding-DNA position 644, T replaced by A.
Protein change: p.Val215Glu; replaces valine 215 with glutamic acid.
Molecular consequence: missense variant. On other transcripts: 5 prime UTR variant (2), non-coding transcript variant (1), intron variant (9).
Genome position (GRCh38, 1-based): chr7:5,999,169, A>T on the plus strand (T>A on the coding strand, the complement: PMS2 is on the minus strand). VCF-style: chr7-5999169-A-T. GRCh37 (hg19) VCF-style: chr7-6038800-A-T.
Other names: c.239T>A, p.Val80Glu (NM_001322003.2, NM_001322004.2, NM_001322005.2 and 19 more transcripts); c.644T>A, p.Val215Glu (NM_001322006.2, NM_001322014.2, NM_001406912.1 and 4 more transcripts); c.326T>A, p.Val109Glu (NM_001322007.2, NM_001322008.2, NM_001406883.1 and 4 more transcripts); c.-290T>A (NM_001322011.2, NM_001322012.2); c.308T>A, p.Val103Glu (NM_001406885.1); c.335T>A, p.Val112Glu (NM_001406900.1, NM_001322015.2, NM_001406875.1 and 6 more transcripts); c.132+3284T>A (NM_001406911.1); c.192+47T>A (NM_001406904.1, NM_001406905.1); and 6 more; short protein forms V103E, V109E, V112E, V215E, V223E, V277E, V80E.
Identifiers: ClinVar variation 4862114 (VCV004862114.1).

ClinVar aggregate classification (germline): Uncertain significance (1 of 4 stars; one submission).

Conditions:
Hereditary cancer-predisposing syndrome. Also called: Neoplastic Syndromes, Hereditary; Tumor predisposition; Hereditary Cancer Syndrome; Hereditary neoplastic syndrome. Identifiers: Orphanet 140162, MedGen C0027672, MeSH D009386, MONDO:0015356.

Submission:

Ambry Genetics
Classification: Uncertain significance for Hereditary cancer-predisposing syndrome. Last evaluated: 2026-04-29. Review status: criteria provided, single submitter. Criteria: Ambry Variant Classification Scheme 2023. Collection method: clinical testing. Allele origin: germline.
Comment: The p.V215E variant (also known as c.644T>A), located in coding exon 6 of the PMS2 gene, results from a T to A substitution at nucleotide position 644. The valine at codon 215 is replaced by glutamic acid, an amino acid with dissimilar properties. This amino acid position is not well conserved in available vertebrate species. In addition, this alteration is predicted to be deleterious by in silico analysis. Based on the available evidence, the clinical significance of this variant remains unclear.